The following is an entry in ClinVar:

ClinVar aggregate classification (germline): Uncertain significance (1 of 4 stars; one submission).

gnomAD v4.1: 26 of 1,614,060 alleles (0.0016%); highest among the groups gnomAD compares: African/African-American, 0.023%; no homozygotes.

Submission:

Labcorp Genetics (formerly Invitae), Labcorp
Classification: Uncertain significance. Last evaluated: 2025-07-21. Review status: criteria provided, single submitter. Criteria: Invitae Variant Classification Sherloc (09022015). Collection method: clinical testing. Allele origin: germline.
Comment: This sequence change replaces isoleucine, which is neutral and non-polar, with threonine, which is neutral and polar, at codon 482 of the FAM111A protein (p.Ile482Thr). This variant is present in population databases (rs375431912, gnomAD 0.03%). This variant has not been reported in the literature in individuals affected with FAM111A-related conditions. Invitae Evidence Modeling of protein sequence and biophysical properties (such as structural, functional, and spatial information, amino acid conservation, physicochemical variation, residue mobility, and thermodynamic stability) indicates that this missense variant is not expected to disrupt FAM111A protein function with a negative predictive value of 80%. In summary, the available evidence is currently insufficient to determine the role of this variant in disease. Therefore, it has been classified as a Variant of Uncertain Significance.

NM_001312909.2(FAM111A):c.1445T>C (p.Ile482Thr)

Gene: FAM111A (FAM111 trypsin like peptidase A; plus strand). Cytogenetic location: 11q12.1.
Variant type: single nucleotide variant.
Coding change: c.1445T>C on transcript NM_001312909.2 (MANE Select); coding-DNA position 1445, T replaced by C.
Protein change: p.Ile482Thr; replaces isoleucine 482 with threonine.
Molecular consequence: missense variant.
Genome position (GRCh38, 1-based): chr11:59,153,113, T>C. VCF-style: chr11-59153113-T-C. GRCh37 (hg19) VCF-style: chr11-58920586-T-C.
Other names: c.1445T>C, p.Ile482Thr (NM_001142519.3, NM_001142520.3, NM_001142521.3 and 29 more transcripts); short protein forms I482T.
Identifiers: ClinVar variation 4695702 (VCV004695702.1).